The following is an entry in ClinVar:

ClinVar aggregate classification (germline): Uncertain significance. Review status: criteria provided, multiple submitters, no conflicts (2 of 4 stars). 3 submissions from 3 submitters: Uncertain significance (2). 1 of the submissions does not count toward it. Last evaluated 2026-05-20.

Conditions:
Hereditary cancer-predisposing syndrome. Also called: Hereditary Cancer Syndrome; Tumor predisposition; Hereditary neoplastic syndrome; Neoplastic Syndromes, Hereditary. Identifiers: Orphanet 140162, MedGen C0027672, MeSH D009386, MONDO:0015356.
Ataxia-telangiectasia syndrome (AT). Also called: Ataxia telangiectasia (A-T); Cerebello-oculocutaneous telangiectasia; Immunodeficiency with ataxia telangiectasia; LOUIS-BAR SYNDROME; ATAXIA-TELANGIECTASIA, COMPLEMENTATION GROUP A; ATAXIA-TELANGIECTASIA, FRESNO VARIANT. Identifiers: Orphanet 100, MedGen C0004135, MONDO:0008840, OMIM 208900.

Allele frequency attached by ClinVar (database versions not stated): gnomAD exomes 0.00001 and 0.00002; ExAC 0.00004; TOPMed below 0.00001; gnomAD 0.00001.
gnomAD v4.1: 5 of 1,613,954 alleles (0.00031%); highest among the groups gnomAD compares: East Asian, 0.011%; no homozygotes.

Submissions (3):

Ambry Genetics
Classification: Uncertain significance for Hereditary cancer-predisposing syndrome. Last evaluated: 2026-05-20. Review status: criteria provided, single submitter. Criteria: Ambry Variant Classification Scheme 2023. Collection method: clinical testing. Allele origin: germline.
Comment: The p.L898F variant (also known as c.2694A>C), located in coding exon 17 of the ATM gene, results from an A to C substitution at nucleotide position 2694. The leucine at codon 898 is replaced by phenylalanine, an amino acid with highly similar properties. This amino acid position is highly conserved in available vertebrate species. In addition, the in silico prediction for this alteration is inconclusive. Based on the available evidence, the clinical significance of this variant remains unclear.

Labcorp Genetics (formerly Invitae), Labcorp
Classification: Uncertain significance for Ataxia-telangiectasia syndrome. Last evaluated: 2024-05-21. Review status: criteria provided, single submitter. Criteria: Invitae Variant Classification Sherloc (09022015). Collection method: clinical testing. Allele origin: germline.
Comment: This sequence change replaces leucine, which is neutral and non-polar, with phenylalanine, which is neutral and non-polar, at codon 898 of the ATM protein (p.Leu898Phe). This variant is present in population databases (rs774395596, gnomAD 0.03%). This variant has not been reported in the literature in individuals affected with ATM-related conditions. ClinVar contains an entry for this variant (Variation ID: 453428). An algorithm developed to predict the effect of missense changes on protein structure and function (PolyPhen-2) suggests that this variant is likely to be disruptive. In summary, the available evidence is currently insufficient to determine the role of this variant in disease. Therefore, it has been classified as a Variant of Uncertain Significance.

Natera, Inc.
Classification: Uncertain significance for Ataxia-telangiectasia. Last evaluated: 2019-10-28. Review status: no assertion criteria provided. Collection method: clinical testing. Allele origin: germline. Not counted in ClinVar's aggregate classification.

NM_000051.4(ATM):c.2694A>C (p.Leu898Phe)

Gene: ATM (ATM serine/threonine kinase; plus strand). Cytogenetic location: 11q22.3.
Variant type: single nucleotide variant.
Coding change: c.2694A>C on transcript NM_000051.4 (MANE Select); coding-DNA position 2694, A replaced by C.
Protein change: p.Leu898Phe; replaces leucine 898 with phenylalanine.
Molecular consequence: missense variant.
Genome position (GRCh38, 1-based): chr11:108,268,465, A>C. VCF-style: chr11-108268465-A-C. GRCh37 (hg19) VCF-style: chr11-108139192-A-C.
Other names: c.2694A>C, p.Leu898Phe (NM_001351834.2); short protein forms L898F.
Identifiers: ClinVar variation 453428 (VCV000453428.12), dbSNP rs774395596, ClinGen allele CA6265099.